The following is an entry in ClinVar:

ClinVar aggregate classification (germline): Uncertain significance (1 of 4 stars; one submission).

Conditions:
Sponastrime dysplasia. Also called: SPONDYLAR AND NASAL ALTERATIONS WITH STRIATED METAPHYSES. Identifiers: Orphanet 93357, MedGen C1300260, MONDO:0010068, OMIM 271510.

Submission:

Juno Genomics, Hangzhou Juno Genomics, Inc
Classification: Uncertain significance for Sponastrime dysplasia. Review status: criteria provided, single submitter. Criteria: ACMG Guidelines, 2015. Collection method: clinical testing. Allele origin: germline.
Comment: Absent from controls (or at extremely low frequency if recessive) in Genome Aggregation Database.;Protein length changes due to in-frame deletions/insertions in a non-repeat region or stop-loss variants.

NM_013432.5(TONSL):c.1845GCT[2] (p.Leu618del)

Genes: TONSL (tonsoku like, DNA repair protein; minus strand), TONSL-AS1 (TONSL antisense RNA 1; plus strand). Cytogenetic location: 8q24.3.
Variant type: Microsatellite.
Coding change: c.1845GCT[2] on transcript NM_013432.5 (MANE Select); two copies in a row of the 3-base unit GCT starting at c.1845; the reference has three copies in a row; one copy, 3 bases deleted; also written c.1851_1853del.
Protein change: p.Leu618del; deletes leucine 618.
Molecular consequence: inframe deletion. On other transcripts: non-coding transcript variant (1).
Genome position (GRCh38, 1-based): chr8:144,436,794-144,436,796, AGC deleted on the plus strand (GCT on the coding strand, the reverse complement: TONSL is on the minus strand); deleting any 3 consecutive bases within chr8:144,436,794-144,436,802 gives the same sequence; the position shown is the placement nearest the transcript's 3' end. VCF-style (leftmost placement, unchanged base first): chr8-144436793-AAGC-A. GRCh37 (hg19) VCF-style: chr8-145662176-AAGC-A.
Other names: c.1851_1853del (NM_013432.5); short protein forms L618del.
Identifiers: ClinVar variation 5007289 (VCV005007289.2).
Genomic context (GRCh38, chr8:144,436,793, plus strand): 5'-TGCCCTCTGCCCCACCAGGCTCACCTTTCGAGTGCGGAGGGTGACGGACGCCCCCCGTTC[AAGC>A]AGCAGCTCAGCCACCTCGAAGTGGCCACAGTTGAGGGCATCGTGGAGGGGGGTGATGCCT-3'